The following is an entry in ClinVar:

NM_004369.4(COL6A3):c.5838+5G>A

Gene: COL6A3 (collagen type VI alpha 3 chain; minus strand). Cytogenetic location: 2q37.3.
Variant type: single nucleotide variant.
Coding change: c.5838+5G>A on transcript NM_004369.4 (MANE Select); 5 bases into the intron after coding-DNA position 5838, G replaced by A.
Molecular consequence: intron variant.
Genome position (GRCh38, 1-based): chr2:237,365,693, C>T on the plus strand (G>A on the coding strand, the complement: COL6A3 is on the minus strand). VCF-style: chr2-237365693-C-T. GRCh37 (hg19) VCF-style: chr2-238274336-C-T.
Other names: c.4017+5G>A (NM_057166.5); c.5220+5G>A (NM_057167.4).
Identifiers: ClinVar variation 499225 (VCV000499225.5), dbSNP rs1553555753, ClinGen allele CA658796211.

ClinVar aggregate classification (germline): Uncertain significance. Review status: criteria provided, multiple submitters, no conflicts (2 of 4 stars). 2 submissions from 2 submitters: Uncertain significance (2). Last evaluated 2017-09-13.

Conditions:
Bethlem myopathy 1A. Also called: MYOPATHY, BENIGN CONGENITAL, WITH CONTRACTURES; Bethlem myopathy 1; Bethlem Muscular Dystrophy. Identifiers: Orphanet 610, MedGen CN029274, MONDO:0024530, OMIM 158810.

Submissions (2):

Labcorp Genetics (formerly Invitae), Labcorp
Classification: Uncertain significance for Bethlem myopathy 1A. Last evaluated: 2017-09-13. Review status: criteria provided, single submitter. Criteria: Invitae Variant Classification Sherloc (09022015). Collection method: clinical testing. Allele origin: germline.
Comment: This sequence change falls in intron 12 of the COL6A3 gene. It does not directly change the encoded amino acid sequence of the COL6A3 protein, but it affects a nucleotide within the consensus splice site of the intron. This variant is not present in population databases (ExAC no frequency). This variant has not been reported in the literature in individuals with COL6A3-related disease. Nucleotide substitutions within the consensus splice site are a relatively common cause of aberrant splicing (PMID: 17576681, 9536098). Algorithms developed to predict the effect of sequence changes on RNA splicing suggest that this variant may disrupt the consensus splice site, but this prediction has not been confirmed by published transcriptional studies. In summary, the available evidence is currently insufficient to determine the role of this variant in disease. Therefore, it has been classified as a Variant of Uncertain Significance.

Eurofins Ntd Llc (ga)
Classification: Uncertain significance. Last evaluated: 2016-12-29. Review status: criteria provided, single submitter. Criteria: EGL Classification Definitions 2015. Collection method: clinical testing. Allele origin: germline. Observed: 1 variant allele, 1 heterozygote.